The following is an entry in ClinVar:

ClinVar aggregate classification (germline): Uncertain significance (1 of 4 stars; one submission).

Submission:

Ambry Genetics
Classification: Uncertain significance. Last evaluated: 2025-10-12. Review status: criteria provided, single submitter. Criteria: Ambry Variant Classification Scheme 2023. Collection method: clinical testing. Allele origin: germline.
Comment: The p.G349E variant (also known as c.1046G>A), located in coding exon 7 of the ATRIP gene, results from a G to A substitution at nucleotide position 1046. The glycine at codon 349 is replaced by glutamic acid, an amino acid with similar properties. This amino acid position is conserved. In addition, this alteration is predicted to be tolerated by in silico analysis. Based on the available evidence, the clinical significance of this variant remains unclear.

NM_130384.3(ATRIP):c.1046G>A (p.Gly349Glu)

Genes: ATRIP (ATR interacting protein; plus strand), ATRIP-TREX1 (ATRIP-TREX1 readthrough; plus strand). Cytogenetic location: 3p21.31.
Variant type: single nucleotide variant.
Coding change: c.1046G>A on transcript NM_130384.3 (MANE Select); coding-DNA position 1046, G replaced by A.
Protein change: p.Gly349Glu; replaces glycine 349 with glutamic acid.
Molecular consequence: missense variant. On other transcripts: non-coding transcript variant (1).
Genome position (GRCh38, 1-based): chr3:48,459,907, G>A. VCF-style: chr3-48459907-G-A. GRCh37 (hg19) VCF-style: chr3-48501306-G-A.
Other names: c.665G>A, p.Gly222Glu (NM_001271022.2); c.767G>A, p.Gly256Glu (NM_001271023.2); c.1046G>A, p.Gly349Glu (NM_032166.4); short protein forms G349E, G256E, G222E.
Identifiers: ClinVar variation 4644537 (VCV004644537.1).